The following is an entry in ClinVar:

NM_006303.4(AIMP2):c.509G>T (p.Gly170Val)

Gene: AIMP2 (aminoacyl tRNA synthetase complex interacting multifunctional protein 2; plus strand). Cytogenetic location: 7p22.1.
Variant type: single nucleotide variant.
Coding change: c.509G>T on transcript NM_006303.4 (MANE Select); coding-DNA position 509, G replaced by T.
Protein change: p.Gly170Val; replaces glycine 170 with valine.
Molecular consequence: missense variant.
Genome position (GRCh38, 1-based): chr7:6,017,980, G>T. VCF-style: chr7-6017980-G-T. GRCh37 (hg19) VCF-style: chr7-6057611-G-T.
Other names: c.389G>T, p.Gly130Val (NM_001326606.2); c.302G>T, p.Gly101Val (NM_001326607.2); c.275G>T, p.Gly92Val (NM_001326609.2, NM_001326610.2, NM_001326611.3); c.422G>T, p.Gly141Val (NM_001362785.2); c.377G>T, p.Gly126Val (NM_001362787.2); short protein forms G170V, G101V, G141V, G92V, G126V, G130V.
Identifiers: ClinVar variation 1435914 (VCV001435914.6), dbSNP rs141537839, ClinGen allele CA4150377.

ClinVar aggregate classification (germline): Uncertain significance (1 of 4 stars; one submission).

Allele frequency attached by ClinVar (database versions not stated): gnomAD exomes 0.00002; ExAC 0.00003; gnomAD 0.00009 and 0.00010; TOPMed 0.00012; ESP Exome Variant Server 0.00015.
gnomAD v4.1: 21 of 1,613,838 alleles (0.0013%); highest among the groups gnomAD compares: African/African-American, 0.028%; no homozygotes.

Submission:

Labcorp Genetics (formerly Invitae), Labcorp
Classification: Uncertain significance. Last evaluated: 2021-12-02. Review status: criteria provided, single submitter. Criteria: Invitae Variant Classification Sherloc (09022015). Collection method: clinical testing. Allele origin: germline.
Comment: This sequence change replaces glycine, which is neutral and non-polar, with valine, which is neutral and non-polar, at codon 170 of the AIMP2 protein (p.Gly170Val). This variant is present in population databases (rs141537839, gnomAD 0.03%). This variant has not been reported in the literature in individuals affected with AIMP2-related conditions. Algorithms developed to predict the effect of missense changes on protein structure and function are either unavailable or do not agree on the potential impact of this missense change (SIFT: "Deleterious"; PolyPhen-2: "Probably Damaging"; Align-GVGD: "Class C15"). In summary, the available evidence is currently insufficient to determine the role of this variant in disease. Therefore, it has been classified as a Variant of Uncertain Significance.